The following is an entry in ClinVar:

ClinVar aggregate classification (germline): Uncertain significance (1 of 4 stars; one submission).

Conditions:
Tietz syndrome (TADS). Also called: HYPOPIGMENTATION/DEAFNESS OF TIETZ; TIETZ ALBINISM-DEAFNESS SYNDROME; ALBINISM-DEAFNESS OF TIETZ. Identifiers: Orphanet 42665, MedGen C0391816, MONDO:0007077, OMIM 103500.
Waardenburg syndrome type 2A (WS2A). Also called: WAARDENBURG SYNDROME WITHOUT DYSTOPIA CANTHORUM. Identifiers: Orphanet 3440, MedGen C1860339, MONDO:0008671, OMIM 193510.
Melanoma, cutaneous malignant, susceptibility to, 8. Also called: MELANOMA AND RENAL CELL CARCINOMA, SUSCEPTIBILITY TO; Cutaneous malignant melanoma 8. Identifiers: Orphanet 293822, MedGen C3152204, MONDO:0013759, OMIM 614456.

Submission:

Labcorp Genetics (formerly Invitae), Labcorp
Classification: Uncertain significance for Melanoma, cutaneous malignant, susceptibility to, 8; Waardenburg syndrome type 2A; Tietz syndrome. Last evaluated: 2024-11-27. Review status: criteria provided, single submitter. Criteria: Invitae Variant Classification Sherloc (09022015). Collection method: clinical testing. Allele origin: germline.
Comment: This sequence change replaces isoleucine, which is neutral and non-polar, with threonine, which is neutral and polar, at codon 24 of the MITF protein (p.Ile24Thr). This variant is not present in population databases (gnomAD no frequency). This variant has not been reported in the literature in individuals affected with MITF-related conditions. Invitae Evidence Modeling of protein sequence and biophysical properties (such as structural, functional, and spatial information, amino acid conservation, physicochemical variation, residue mobility, and thermodynamic stability) indicates that this missense variant is expected to disrupt MITF protein function with a positive predictive value of 80%. In summary, the available evidence is currently insufficient to determine the role of this variant in disease. Therefore, it has been classified as a Variant of Uncertain Significance.

NM_001354604.2(MITF):c.392T>C (p.Ile131Thr)

Gene: MITF (melanocyte inducing transcription factor; plus strand). Cytogenetic location: 3p13.
Variant type: single nucleotide variant.
Coding change: c.392T>C on transcript NM_001354604.2 (MANE Select); coding-DNA position 392, T replaced by C.
Protein change: p.Ile131Thr; replaces isoleucine 131 with threonine.
Molecular consequence: missense variant.
Genome position (GRCh38, 1-based): chr3:69,937,859, T>C. VCF-style: chr3-69937859-T-C. GRCh37 (hg19) VCF-style: chr3-69987010-T-C.
Other names: c.71T>C, p.Ile24Thr (NM_000248.4, NM_001184968.2, NM_198158.3 and 1 more transcripts); c.236T>C, p.Ile79Thr (NM_001184967.2, NM_001354608.2); c.389T>C, p.Ile130Thr (NM_001354605.2, NM_001354606.2, NM_006722.3); c.341T>C, p.Ile114Thr (NM_001354607.2); c.392T>C, p.Ile131Thr (NM_198159.3); c.344T>C, p.Ile115Thr (NM_198177.3); short protein forms I114T, I115T, I130T, I131T, I24T, I79T.
Identifiers: ClinVar variation 3755716 (VCV003755716.2).